The following is an entry in ClinVar:

NM_005633.4(SOS1):c.1287T>G (p.Ile429Met)

Gene: SOS1 (SOS Ras/Rac guanine nucleotide exchange factor 1; minus strand). Cytogenetic location: 2p22.1.
Variant type: single nucleotide variant.
Coding change: c.1287T>G on transcript NM_005633.4 (MANE Select); coding-DNA position 1287, T replaced by G.
Protein change: p.Ile429Met; replaces isoleucine 429 with methionine.
Molecular consequence: missense variant.
Genome position (GRCh38, 1-based): chr2:39,023,141, A>C on the plus strand (T>G on the coding strand, the complement: SOS1 is on the minus strand). VCF-style: chr2-39023141-A-C. GRCh37 (hg19) VCF-style: chr2-39250282-A-C.
Other names: c.1266T>G, p.Ile422Met (NM_001382394.1); c.1287T>G, p.Ile429Met (NM_001382395.1); short protein forms I422M, I429M.
Identifiers: ClinVar variation 3647650 (VCV003647650.2).
Genomic context (GRCh38, chr2:39,023,141, plus strand): 5'-AGTTCCTTCCATTATAAATTCATTACAACACTGTCCAATGTCTTTTCCCTCCCAACCATC[A>C]ATATTCTTCTGAATCTCGTTCATCTTCTTGATTGCTAGTTGTTTCCCCTTCATTTGCTGA-3'
Protein context (NP_005624.2, residues 419-439): IKKMNEIQKN[Ile429Met]DGWEGKDIGQ

ClinVar aggregate classification (germline): Uncertain significance (1 of 4 stars; one submission).

Conditions:
RASopathy. Also called: Noonan spectrum disorder; rasopathies. Identifiers: Orphanet 536391, MedGen C5555857, MONDO:0021060.

Submission:

Labcorp Genetics (formerly Invitae), Labcorp
Classification: Uncertain significance for RASopathy. Last evaluated: 2024-03-26. Review status: criteria provided, single submitter. Criteria: Invitae Variant Classification Sherloc (09022015). Collection method: clinical testing. Allele origin: germline.
Comment: This sequence change replaces isoleucine, which is neutral and non-polar, with methionine, which is neutral and non-polar, at codon 429 of the SOS1 protein (p.Ile429Met). This variant is not present in population databases (gnomAD no frequency). This variant has not been reported in the literature in individuals affected with SOS1-related conditions. Advanced modeling of protein sequence and biophysical properties (such as structural, functional, and spatial information, amino acid conservation, physicochemical variation, residue mobility, and thermodynamic stability) performed at Invitae indicates that this missense variant is expected to disrupt SOS1 protein function with a positive predictive value of 95%. In summary, the available evidence is currently insufficient to determine the role of this variant in disease. Therefore, it has been classified as a Variant of Uncertain Significance.